The following is an entry in ClinVar:

ClinVar aggregate classification (germline): Uncertain significance. Review status: criteria provided, multiple submitters, no conflicts (2 of 4 stars). 3 submissions from 3 submitters: Uncertain significance (3). Last evaluated 2024-04-10.

Conditions:
Idiopathic Pulmonary Fibrosis. Also called: Idiopathic fibrosing alveolitis, chronic form; idiopathic fibrosing alveolitis. Identifiers: Orphanet 2032, MedGen C1800706, MeSH D054990, MONDO:0800504.
Dyskeratosis congenita, autosomal dominant 2. Identifiers: MedGen C3151443, MONDO:0013521, OMIM 613989.
Acute myeloid leukemia (AML). Also called: Acute myeloid leukemia, adult; AML adult; Acute non-lymphocytic leukemia; Acute granulocytic leukemia; Leukemia, acute myeloid, somatic; Leukemia, acute myelogenous, somatic. Identifiers: Orphanet 519, MedGen C0023467, MeSH D015470, MONDO:0018874, OMIM 601626, HP:0004808. Disease mechanism: Constitutively activated FLT3.
Pulmonary fibrosis and/or bone marrow failure, Telomere-related, 1. Also called: PULMONARY FIBROSIS AND/OR BONE MARROW FAILURE SYNDROME, TELOMERE-RELATED, 1. Identifiers: Orphanet 88, MedGen C3553617, MONDO:0013878, OMIM 614742.
Melanoma, cutaneous malignant, susceptibility to, 9. Also called: Cutaneous malignant melanoma 9. Identifiers: Orphanet 618, MedGen C3554574, MONDO:0014056, OMIM 615134.
Dyskeratosis congenita. Identifiers: Orphanet 1775, MedGen C0265965, MONDO:0015780.

Submissions (3):

Labcorp Genetics (formerly Invitae), Labcorp
Classification: Uncertain significance for Dyskeratosis congenita, autosomal dominant 2; Idiopathic Pulmonary Fibrosis. Last evaluated: 2024-04-10. Review status: criteria provided, single submitter. Criteria: Invitae Variant Classification Sherloc (09022015). Collection method: clinical testing. Allele origin: germline.
Comment: This sequence change replaces threonine, which is neutral and polar, with proline, which is neutral and non-polar, at codon 443 of the TERT protein (p.Thr443Pro). This variant is not present in population databases (gnomAD no frequency). This variant has not been reported in the literature in individuals affected with TERT-related conditions. ClinVar contains an entry for this variant (Variation ID: 640934). Advanced modeling of protein sequence and biophysical properties (such as structural, functional, and spatial information, amino acid conservation, physicochemical variation, residue mobility, and thermodynamic stability) has been performed at Invitae for this missense variant, however the output from this modeling did not meet the statistical confidence thresholds required to predict the impact of this variant on TERT protein function. In summary, the available evidence is currently insufficient to determine the role of this variant in disease. Therefore, it has been classified as a Variant of Uncertain Significance.

Fulgent Genetics
Classification: Uncertain significance for Acute myeloid leukemia; Dyskeratosis congenita, autosomal dominant 2; Pulmonary fibrosis and/or bone marrow failure, Telomere-related, 1; Melanoma, cutaneous malignant, susceptibility to, 9. Last evaluated: 2024-03-18. Review status: criteria provided, single submitter. Criteria: ACMG Guidelines, 2015. Collection method: clinical testing. Allele origin: germline.

Ambry Genetics
Classification: Uncertain significance for Dyskeratosis congenita. Last evaluated: 2022-06-10. Review status: criteria provided, single submitter. Criteria: Ambry Variant Classification Scheme 2023. Collection method: clinical testing. Allele origin: germline.
Comment: The p.T443P variant (also known as c.1327A>C), located in coding exon 2 of the TERT gene, results from an A to C substitution at nucleotide position 1327. The threonine at codon 443 is replaced by proline, an amino acid with highly similar properties. This amino acid position is conserved. In addition, this alteration is predicted to be tolerated by in silico analysis. Since supporting evidence is limited at this time, the clinical significance of this alteration remains unclear.

NM_198253.3(TERT):c.1327A>C (p.Thr443Pro)

Gene: TERT (telomerase reverse transcriptase; minus strand). Cytogenetic location: 5p15.33.
Variant type: single nucleotide variant.
Coding change: c.1327A>C on transcript NM_198253.3 (MANE Select); coding-DNA position 1327, A replaced by C.
Protein change: p.Thr443Pro; replaces threonine 443 with proline.
Molecular consequence: missense variant. On other transcripts: non-coding transcript variant (2).
Genome position (GRCh38, 1-based): chr5:1,293,559, T>G on the plus strand (A>C on the coding strand, the complement: TERT is on the minus strand). VCF-style: chr5-1293559-T-G. GRCh37 (hg19) VCF-style: chr5-1293674-T-G.
Other names: c.1327A>C, p.Thr443Pro (NM_001193376.3); short protein forms T443P.
Identifiers: ClinVar variation 640934 (VCV000640934.14), dbSNP rs1030586939, ClinGen allele CA359086166.